The following is an entry in ClinVar:

NM_000843.4(GRM6):c.83G>A (p.Arg28His)

Gene: GRM6 (glutamate metabotropic receptor 6; minus strand). Cytogenetic location: 5q35.3.
Variant type: single nucleotide variant.
Coding change: c.83G>A on transcript NM_000843.4 (MANE Select); coding-DNA position 83, G replaced by A.
Protein change: p.Arg28His; replaces arginine 28 with histidine.
Molecular consequence: missense variant.
Genome position (GRCh38, 1-based): chr5:178,994,862, C>T on the plus strand (G>A on the coding strand, the complement: GRM6 is on the minus strand). VCF-style: chr5-178994862-C-T. GRCh37 (hg19) VCF-style: chr5-178421863-C-T.
Other names: short protein forms R28H.
Identifiers: ClinVar variation 99660 (VCV000099660.6), dbSNP rs62638196, ClinGen allele CA227698.

ClinVar aggregate classification (germline): Uncertain significance. Review status: criteria provided, single submitter (1 of 4 stars). 2 submissions from 2 submitters: Uncertain significance (1). 1 of the submissions does not count toward it. Last evaluated 2025-03-04.

Allele frequency attached by ClinVar (database versions not stated): gnomAD exomes below 0.00001; TOPMed below 0.00001.
gnomAD v4.1: 5 of 1,195,974 alleles (0.00042%); highest among the groups gnomAD compares: Non-Finnish European, 0.00041%; no homozygotes.

Submissions (2):

Labcorp Genetics (formerly Invitae), Labcorp
Classification: Uncertain significance. Last evaluated: 2025-03-04. Review status: criteria provided, single submitter. Criteria: Invitae Variant Classification Sherloc (09022015). Collection method: clinical testing. Allele origin: germline.
Comment: This sequence change replaces arginine, which is basic and polar, with histidine, which is basic and polar, at codon 28 of the GRM6 protein (p.Arg28His). This variant is not present in population databases (gnomAD no frequency). This variant has not been reported in the literature in individuals affected with GRM6-related conditions. ClinVar contains an entry for this variant (Variation ID: 99660). Invitae Evidence Modeling of protein sequence and biophysical properties (such as structural, functional, and spatial information, amino acid conservation, physicochemical variation, residue mobility, and thermodynamic stability) indicates that this missense variant is not expected to disrupt GRM6 protein function with a negative predictive value of 95%. In summary, the available evidence is currently insufficient to determine the role of this variant in disease. Therefore, it has been classified as a Variant of Uncertain Significance.

Retina International
No classification provided. Review status: no classification provided. Collection method: not provided. Allele origin: not provided. Not counted in ClinVar's aggregate classification.